The following is an entry in ClinVar:

ClinVar aggregate classification (germline): Pathogenic (1 of 4 stars; one submission).

Conditions:
Generalized juvenile polyposis/juvenile polyposis coli. Also called: Juvenile polyposis coli. Identifiers: Orphanet 329971, MedGen C1868081, MONDO:0008276.

Submission:

Labcorp Genetics (formerly Invitae), Labcorp
Classification: Pathogenic for Juvenile polyposis syndrome. Last evaluated: 2017-07-13. Review status: criteria provided, single submitter. Criteria: Invitae Variant Classification Sherloc (09022015). Collection method: clinical testing. Allele origin: germline.
Comment: A gross deletion of the genomic region encompassing the full coding sequence of the SMAD4 gene has been identified. The boundaries of this event are unknown as the deletion extends beyond the assayed region for this gene and therefore may encompass additional genes. Loss-of-function variants in SMAD4 are known to be pathogenic. A deletion of the entire SMAD4 gene has been reported in the literature in individuals affected with juvenile polyposis syndrome (PMID: 17873119). For these reasons, this variant has been classified as Pathogenic.

NC_000018.9:g.(?_48573411)_(48604843_?)del

Gene: SMAD4 (SMAD family member 4; plus strand). Cytogenetic location: 18q21.2.
Variant type: Deletion.
Identifiers: ClinVar variation 460460 (VCV000460460.1).